The following is an entry in ClinVar:

NM_001378609.3(OTOGL):c.5729C>T (p.Thr1910Met)

Gene: OTOGL (otogelin like; plus strand). Cytogenetic location: 12q21.31.
Variant type: single nucleotide variant.
Coding change: c.5729C>T on transcript NM_001378609.3 (MANE Select); coding-DNA position 5729, C replaced by T.
Protein change: p.Thr1910Met; replaces threonine 1910 with methionine.
Molecular consequence: missense variant.
Genome position (GRCh38, 1-based): chr12:80,355,871, C>T. VCF-style: chr12-80355871-C-T. GRCh37 (hg19) VCF-style: chr12-80749651-C-T.
Other names: c.5594C>T, p.Thr1865Met (NM_001368062.3); c.5729C>T, p.Thr1910Met (NM_001378610.3, NM_173591.7); short protein forms T1865M, T1910M.
Identifiers: ClinVar variation 1190397 (VCV001190397.12), dbSNP rs375155261, ClinGen allele CA6701791.
Genomic context (GRCh38, chr12:80,355,871, plus strand): 5'-ACAAATGTTTGGAGAATGGAAGCATTATCCCTATAGAACCTGACTGTGATGAAGAGCCCA[C>T]GCCAGTTTGTGAACGAGAAGCTGAAGTTGTCATGGGCATCATTGATAAATGGACCTGCTG-3'
Protein context (NP_001365538.2, residues 1900-1920): PIEPDCDEEP[Thr1910Met]PVCEREAEVV

ClinVar aggregate classification (germline): Conflicting classifications of pathogenicity. Review status: criteria provided, conflicting classifications (1 of 4 stars). 4 submissions from 4 submitters: Uncertain significance (2); Benign (1); Likely benign (1). Last evaluated 2026-05-15.

Conditions:
OTOGL-related disorder. Also called: OTOGL-related condition.

Allele frequency attached by ClinVar (database versions not stated): ESP Exome Variant Server 0.00008; ExAC 0.00022; 1000 Genomes Project 0.00040; 1000 Genomes Project 30x 0.00047.
gnomAD v4.1: 139 of 1,613,778 alleles (0.0086%); highest among the groups gnomAD compares: East Asian, 0.14%; 1 homozygote.

Submissions (4):

PreventionGenetics, part of Exact Sciences
Classification: Likely benign for OTOGL-related condition. Last evaluated: 2026-05-15. Review status: criteria provided, single submitter. Criteria: ACMG Guidelines, 2015. Collection method: clinical testing. Allele origin: germline.
Comment: This variant is classified as likely benign based on ACMG/AMP sequence variant interpretation guidelines (Richards et al. 2015 PMID: 25741868, with internal and published modifications).

Labcorp Genetics (formerly Invitae), Labcorp
Classification: Benign. Last evaluated: 2026-01-26. Review status: criteria provided, single submitter. Criteria: Invitae Variant Classification Sherloc (09022015). Collection method: clinical testing. Allele origin: germline.

Blueprint Genetics
Classification: Uncertain significance. Last evaluated: 2024-05-17. Review status: criteria provided, single submitter. Criteria: ACMG Guidelines, 2015. Collection method: clinical testing. Allele origin: germline.

GeneDx
Classification: Uncertain significance. Last evaluated: 2020-08-17. Review status: criteria provided, single submitter. Criteria: GeneDx Variant Classification Process June 2021. Collection method: clinical testing. Allele origin: germline. Affected: yes.
Comment: In silico analysis supports that this missense variant does not alter protein structure/function; Has not been previously published as pathogenic or benign to our knowledge